The following is an entry in ClinVar:

ClinVar aggregate classification (germline): Uncertain significance. Review status: criteria provided, multiple submitters, no conflicts (2 of 4 stars). 2 submissions from 2 submitters: Uncertain significance (2). Last evaluated 2024-01-25.

Conditions:
Leber congenital amaurosis 2 (LCA2). Also called: AMAUROSIS CONGENITA OF LEBER II; Autosomal Recessive RPE65-Related Retinal Degeneration. Identifiers: Orphanet 65, MedGen C1859844, MONDO:0008765, OMIM 204100. Disease mechanism: loss of function.
Retinitis pigmentosa 20 (RP20). Identifiers: Orphanet 791, MedGen C3151086, MONDO:0013425, OMIM 613794.

Allele frequency attached by ClinVar (database versions not stated): gnomAD 0.00001.
gnomAD v4.1: 7 of 1,613,412 alleles (0.00043%); highest among the groups gnomAD compares: Admixed American, 0.0033%; no homozygotes.

Submissions (2):

Labcorp Genetics (formerly Invitae), Labcorp
Classification: Uncertain significance for Leber congenital amaurosis 2; Retinitis pigmentosa 20. Last evaluated: 2024-01-25. Review status: criteria provided, single submitter. Criteria: Invitae Variant Classification Sherloc (09022015). Collection method: clinical testing. Allele origin: germline.
Comment: This sequence change replaces alanine, which is neutral and non-polar, with valine, which is neutral and non-polar, at codon 344 of the RPE65 protein (p.Ala344Val). This variant is present in population databases (rs775139279, gnomAD 0.0008%). This variant has not been reported in the literature in individuals affected with RPE65-related conditions. ClinVar contains an entry for this variant (Variation ID: 2012791). Advanced modeling of protein sequence and biophysical properties (such as structural, functional, and spatial information, amino acid conservation, physicochemical variation, residue mobility, and thermodynamic stability) performed at Invitae indicates that this missense variant is not expected to disrupt RPE65 protein function with a negative predictive value of 80%. In summary, the available evidence is currently insufficient to determine the role of this variant in disease. Therefore, it has been classified as a Variant of Uncertain Significance.

Blueprint Genetics
Classification: Uncertain significance. Last evaluated: 2020-09-09. Review status: criteria provided, single submitter. Criteria: ACMG Guidelines, 2015. Collection method: clinical testing. Allele origin: germline.

NM_000329.3(RPE65):c.1031C>T (p.Ala344Val)

Gene: RPE65 (retinoid isomerohydrolase RPE65; minus strand). Cytogenetic location: 1p31.3.
Variant type: single nucleotide variant.
Coding change: c.1031C>T on transcript NM_000329.3 (MANE Select); coding-DNA position 1031, C replaced by T.
Protein change: p.Ala344Val; replaces alanine 344 with valine.
Molecular consequence: missense variant.
Genome position (GRCh38, 1-based): chr1:68,438,284, G>A on the plus strand (C>T on the coding strand, the complement: RPE65 is on the minus strand). VCF-style: chr1-68438284-G-A. GRCh37 (hg19) VCF-style: chr1-68903967-G-A.
Other names: c.923C>T, p.Ala308Val (NM_001406853.1); c.755C>T, p.Ala252Val (NM_001406856.1, NM_001406857.1); c.1031C>T, p.Ala344Val (NM_001406859.1); short protein forms A344V, A252V, A308V.
Identifiers: ClinVar variation 2012791 (VCV002012791.3), dbSNP rs775139279, ClinGen allele CA23569522.
Genomic context (GRCh38, chr1:68,438,284, plus strand): 5'-TCAGGTTGGGGAGCCTTTCTGGCATTTTTTTTCACCTCTTCCCAGTTCTCACGTAAATTG[G>A]CTAAATATAAGTAATTATAAACAAACTCAAATCTGCAAAAATAAAAAGTCAAACATGAGC-3'
Protein context (NP_000320.1, residues 334-354): FEFVYNYLYL[Ala344Val]NLRENWEEVK